The following is an entry in ClinVar:

NM_020919.4(ALS2):c.92C>T (p.Thr31Ile)

Gene: ALS2 (alsin Rho guanine nucleotide exchange factor ALS2; minus strand). Cytogenetic location: 2q33.1.
Variant type: single nucleotide variant.
Coding change: c.92C>T on transcript NM_020919.4 (MANE Select); coding-DNA position 92, C replaced by T.
Protein change: p.Thr31Ile; replaces threonine 31 with isoleucine.
Molecular consequence: missense variant.
Genome position (GRCh38, 1-based): chr2:201,767,312, G>A on the plus strand (C>T on the coding strand, the complement: ALS2 is on the minus strand). VCF-style: chr2-201767312-G-A. GRCh37 (hg19) VCF-style: chr2-202632035-G-A.
Other names: c.92C>T, p.Thr31Ile (NM_001135745.2, NM_001410975.1); short protein forms T31I.
Identifiers: ClinVar variation 2417559 (VCV002417559.6), dbSNP rs2469943196, ClinGen allele CA350329611.

ClinVar aggregate classification (germline): Uncertain significance (1 of 4 stars; one submission).

Conditions:
Infantile-onset ascending hereditary spastic paralysis (IAHSP). Also called: Infantile-Onset Ascending Hereditary Spastic Paralysis (IAHSP); Autosomal Recessive Juvenile Amyotrophic Lateral Sclerosis. Identifiers: Orphanet 293168, MedGen C2931441, MONDO:0011797, OMIM 607225. Disease mechanism: loss of function.

Allele frequency attached by ClinVar (database versions not stated): gnomAD exomes below 0.00001.
gnomAD v4.1: 2 of 1,614,090 alleles (0.00012%); highest among the groups gnomAD compares: Non-Finnish European, 0.00017%; no homozygotes.

Submission:

Labcorp Genetics (formerly Invitae), Labcorp
Classification: Uncertain significance for Infantile-onset ascending hereditary spastic paralysis. Last evaluated: 2021-12-17. Review status: criteria provided, single submitter. Criteria: Invitae Variant Classification Sherloc (09022015). Collection method: clinical testing. Allele origin: germline.
Comment: This sequence change replaces threonine, which is neutral and polar, with isoleucine, which is neutral and non-polar, at codon 31 of the ALS2 protein (p.Thr31Ile). This variant is not present in population databases (gnomAD no frequency). This variant has not been reported in the literature in individuals affected with ALS2-related conditions. Algorithms developed to predict the effect of missense changes on protein structure and function output the following: SIFT: "Deleterious"; PolyPhen-2: "Benign"; Align-GVGD: "Class C0". The isoleucine amino acid residue is found in multiple mammalian species, which suggests that this missense change does not adversely affect protein function. In summary, the available evidence is currently insufficient to determine the role of this variant in disease. Therefore, it has been classified as a Variant of Uncertain Significance.